The following is an entry in ClinVar:

NM_001854.4(COL11A1):c.1413+156T>A

Gene: COL11A1 (collagen type XI alpha 1 chain; minus strand). Cytogenetic location: 1p21.1.
Variant type: single nucleotide variant.
Coding change: c.1413+156T>A on transcript NM_001854.4 (MANE Select); 156 bases into the intron after coding-DNA position 1413, T replaced by A.
Molecular consequence: intron variant.
Genome position (GRCh38, 1-based): chr1:103,017,664, A>T on the plus strand (T>A on the coding strand, the complement: COL11A1 is on the minus strand). VCF-style: chr1-103017664-A-T. GRCh37 (hg19) VCF-style: chr1-103483220-A-T.
Other names: c.1296+156T>A (NM_001190709.2); c.1449+156T>A (NM_080629.3); c.1065+156T>A (NM_080630.4).
Identifiers: ClinVar variation 677960 (VCV000677960.2), dbSNP rs41309169, ClinGen allele CA27742714.

ClinVar aggregate classification (germline): Likely benign. Review status: criteria provided, multiple submitters, no conflicts (2 of 4 stars). 2 submissions from 2 submitters: Likely benign (2). Last evaluated 2018-06-14.

Allele frequency attached by ClinVar (database versions not stated): 1000 Genomes Project 0.01837; 1000 Genomes Project 30x 0.01983; TOPMed 0.02343; gnomAD 0.02357 and 0.02414.
gnomAD v4.1: 3,583 of 152,280 alleles (2.4%); highest among the groups gnomAD compares: Middle Eastern, 7.5%; 56 homozygotes.

Submissions (2):

GeneDx
Classification: Likely benign. Last evaluated: 2018-06-14. Review status: criteria provided, single submitter. Criteria: GeneDx Variant Classification (06012015). Collection method: clinical testing. Allele origin: germline. Affected: yes.
Comment: This variant is considered likely benign or benign based on one or more of the following criteria: it is a conservative change, it occurs at a poorly conserved position in the protein, it is predicted to be benign by multiple in silico algorithms, and/or has population frequency not consistent with disease.

Breakthrough Genomics
Classification: Likely benign. Review status: criteria provided, single submitter. Criteria: ACMG Guidelines, 2015. Collection method: not provided. Allele origin: germline. Inheritance: Autosomal recessive inheritance. Affected: yes.